The following is an entry in ClinVar:

ClinVar aggregate classification (germline): Pathogenic (1 of 4 stars; one submission).

Submission:

Labcorp Genetics (formerly Invitae), Labcorp
Classification: Pathogenic. Last evaluated: 2023-09-19. Review status: criteria provided, single submitter. Criteria: Invitae Variant Classification Sherloc (09022015). Collection method: clinical testing. Allele origin: germline.
Comment: For these reasons, this variant has been classified as Pathogenic. Algorithms developed to predict the effect of sequence changes on RNA splicing suggest that this variant may disrupt the consensus splice site. This variant has not been reported in the literature in individuals affected with MSH3-related conditions. This variant is not present in population databases (gnomAD no frequency). This sequence change creates a premature translational stop signal (p.Leu792Profs*7) in the MSH3 gene. It is expected to result in an absent or disrupted protein product. Loss-of-function variants in MSH3 are known to be pathogenic (PMID: 27476653, 37402566).

Literature cited by the submitters: PubMed 27476653; PubMed 37402566.

NM_002439.5(MSH3):c.2375_2385del (p.Leu792fs)

Gene: MSH3 (mutS homolog 3; plus strand). Cytogenetic location: 5q14.1.
Variant type: Deletion.
Coding change: c.2375_2385del on transcript NM_002439.5 (MANE Select); coding-DNA positions 2375 to 2385, 11 bases deleted (TGAATCAGCTC).
Protein change: p.Leu792fs; shifts the reading frame from leucine 792.
Molecular consequence: frameshift variant.
Genome position (GRCh38, 1-based): chr5:80,778,776-80,778,786, TGAATCAGCTC deleted; deleting any 11 consecutive bases within chr5:80,778,774-80,778,786 gives the same sequence; the c. name uses the placement nearest the transcript's 3' end. VCF-style (leftmost placement, unchanged base first): chr5-80778773-ATCTGAATCAGC-A. GRCh37 (hg19) VCF-style: chr5-80074592-ATCTGAATCAGC-A.
Other names: short protein forms L792fs.
Identifiers: ClinVar variation 2761721 (VCV002761721.3), dbSNP rs2546779556, ClinGen allele CA2697546215.